The following is an entry in ClinVar:

NM_138694.4(PKHD1):c.776C>T (p.Ser259Leu)

Gene: PKHD1 (PKHD1 ciliary IPT domain containing fibrocystin/polyductin; minus strand). Cytogenetic location: 6p12.2.
Variant type: single nucleotide variant.
Coding change: c.776C>T on transcript NM_138694.4 (MANE Select); coding-DNA position 776, C replaced by T.
Protein change: p.Ser259Leu; replaces serine 259 with leucine.
Molecular consequence: missense variant.
Genome position (GRCh38, 1-based): chr6:52,069,459, G>A on the plus strand (C>T on the coding strand, the complement: PKHD1 is on the minus strand). VCF-style: chr6-52069459-G-A. GRCh37 (hg19) VCF-style: chr6-51934257-G-A.
Other names: c.776C>T, p.Ser259Leu (NM_170724.3); short protein forms S259L.
Identifiers: ClinVar variation 500631 (VCV000500631.10), dbSNP rs1160054242, ClinGen allele CA364431707.

ClinVar aggregate classification (germline): Uncertain significance. Review status: criteria provided, multiple submitters, no conflicts (2 of 4 stars). 4 submissions from 4 submitters: Uncertain significance (3). 1 of the submissions does not count toward it. Last evaluated 2022-05-25.

Conditions:
Autosomal recessive polycystic kidney disease (ARPKD). Also called: AR polycystic kidney disease. Identifiers: Orphanet 731, Orphanet 8378, MedGen C0085548, MeSH D017044, MONDO:0009889.

Allele frequency attached by ClinVar (database versions not stated): gnomAD exomes below 0.00001.
gnomAD v4.1: 1 of 1,606,394 alleles (0.000062%); highest among the groups gnomAD compares: East Asian, 0.0022%; no homozygotes.

Submissions (4):

Labcorp Genetics (formerly Invitae), Labcorp
Classification: Uncertain significance for Autosomal recessive polycystic kidney disease. Last evaluated: 2022-05-25. Review status: criteria provided, single submitter. Criteria: Invitae Variant Classification Sherloc (09022015). Collection method: clinical testing. Allele origin: germline.
Comment: This sequence change replaces serine, which is neutral and polar, with leucine, which is neutral and non-polar, at codon 259 of the PKHD1 protein (p.Ser259Leu). This variant is present in population databases (no rsID available, gnomAD 0.006%). This variant has not been reported in the literature in individuals affected with PKHD1-related conditions. ClinVar contains an entry for this variant (Variation ID: 500631). Algorithms developed to predict the effect of missense changes on protein structure and function are either unavailable or do not agree on the potential impact of this missense change (SIFT: "Deleterious"; PolyPhen-2: "Possibly Damaging"; Align-GVGD: "Class C0"). Algorithms developed to predict the effect of sequence changes on RNA splicing suggest that this variant may disrupt the consensus splice site. In summary, the available evidence is currently insufficient to determine the role of this variant in disease. Therefore, it has been classified as a Variant of Uncertain Significance.

Women's Health and Genetics/Laboratory Corporation of America, LabCorp
Classification: Uncertain significance. Last evaluated: 2018-02-26. Review status: criteria provided, single submitter. Criteria: LabCorp Variant Classification Summary - May 2015. Collection method: clinical testing. Allele origin: germline.
Comment: Variant summary: PKHD1 c.776C>T (p.Ser259Leu) results in a non-conservative amino acid change located in the IPT domain of the encoded protein sequence. Four of five in-silico tools predict a damaging effect of the variant on protein function. 3/5 computational tools predict no significant impact on normal splicing. However, these predictions have yet to be confirmed by functional studies. The variant allele was found at a frequency of 4.1e-06 in 246194 control chromosomes (gnomAD). The available data on variant occurrences in the general population are insufficient to allow any conclusion about variant significance. To our knowledge, no occurrence of c.776C>T in individuals affected with Polycystic Kidney and Hepatic Disease and no experimental evidence demonstrating its impact on protein function have been reported. No clinical diagnostic laboratories have submitted clinical-significance assessments for this variant to ClinVar after 2014. Based on the evidence outlined above, the variant was classified as uncertain significance.

Eurofins Ntd Llc (ga)
Classification: Uncertain significance. Last evaluated: 2017-02-27. Review status: criteria provided, single submitter. Criteria: EGL Classification Definitions 2015. Collection method: clinical testing. Allele origin: germline. Observed: 1 variant allele, 1 heterozygote.

Natera, Inc.
Classification: Uncertain significance for Autosomal recessive polycystic kidney disease. Last evaluated: 2020-02-17. Review status: no assertion criteria provided. Collection method: clinical testing. Allele origin: germline. Not counted in ClinVar's aggregate classification.